The following is an entry in ClinVar:

NM_000368.5(TSC1):c.998del (p.Pro333fs)

Gene: TSC1 (TSC complex subunit 1; minus strand). Cytogenetic location: 9q34.13.
Variant type: Deletion.
Coding change: c.998del on transcript NM_000368.5 (MANE Select); coding-DNA position 998, one base deleted (C; older notation c.998delC).
Protein change: p.Pro333fs; shifts the reading frame from proline 333.
Molecular consequence: frameshift variant.
Genome position (GRCh38, 1-based): chr9:132,911,484, G deleted on the plus strand (C on the coding strand, the reverse complement: TSC1 is on the minus strand); the first of 4 consecutive G bases (chr9:132,911,484-132,911,487); deleting any one gives the same sequence. VCF-style (leftmost placement, unchanged base first): chr9-132911483-TG-T. GRCh37 (hg19) VCF-style: chr9-135786870-TG-T.
Other names: c.998del (NM_000368.4); c.998del, p.Pro333fs (NM_001162426.2); c.845del, p.Pro282fs (NM_001162427.2); c.635del, p.Pro212fs (NM_001362177.2); short protein forms P212fs, P282fs, P333fs.
Identifiers: ClinVar variation 802527 (VCV000802527.2), dbSNP rs1564488773, ClinGen allele CA915947253.
Genomic context (GRCh38, chr9:132,911,483, plus strand): 5'-AGAGAGCAGGCACACTAGTTGACACCATACTTGTGGTGGTTCAGTTATCAGCCGTGTCGA[TG>T]GGGAACTCAGAGTCTGAGGTAGCTGCCCTGGCATATTTAACAACATCAGCCGAGACGTGG-3'

ClinVar aggregate classification (germline): Pathogenic. Review status: criteria provided, multiple submitters, no conflicts (2 of 4 stars). 2 submissions from 2 submitters: Pathogenic (2). Last evaluated 2024-08-06.

Conditions:
Tuberous sclerosis 1 (TSC1). Identifiers: Orphanet 805, MedGen C1854465, MONDO:0008612, OMIM 191100.

Submissions (2):

GeneDx
Classification: Pathogenic. Last evaluated: 2024-08-06. Review status: criteria provided, single submitter. Criteria: GeneDx Variant Classification Process June 2021. Collection method: clinical testing. Allele origin: germline. Affected: yes.
Comment: Frameshift variant predicted to result in protein truncation or nonsense mediated decay in a gene for which loss of function is a known mechanism of disease; Not observed at significant frequency in large population cohorts (gnomAD); Has not been previously published as pathogenic or benign to our knowledge

Mendelics
Classification: Pathogenic for Tuberous sclerosis 1. Last evaluated: 2019-05-28. Review status: criteria provided, single submitter. Criteria: Mendelics Assertion Criteria 2017. Collection method: clinical testing. Allele origin: unknown.